The following is an entry in ClinVar:

ClinVar aggregate classification (germline): Uncertain significance (1 of 4 stars; one submission).

Conditions:
Nephronophthisis. Also called: Juvenile Nephronophthisis. Identifiers: Orphanet 655, MedGen C0687120, MONDO:0019005, HP:0000090.

Submission:

Labcorp Genetics (formerly Invitae), Labcorp
Classification: Uncertain significance for Nephronophthisis. Last evaluated: 2019-01-28. Review status: criteria provided, single submitter. Criteria: Invitae Variant Classification Sherloc (09022015). Collection method: clinical testing. Allele origin: germline.
Comment: This variant is a gross duplication of the genomic region encompassing exon 6 of the GLIS2 gene. The 5' boundary is likely confined to intron 5. The 3' end of this event is unknown as it extends beyond the assayed region for this gene and therefore may encompass additional genes. Gross duplication of exon 6 has not been reported in the literature in individuals with a GLIS2-related disease. In summary, the exact genomic location of this variant is unknown and the impact of this duplication on GLIS2 protein function has not been established. Therefore, it has been classified as a Variant of Uncertain Significance.

NC_000016.9:g.(?_4386706)_(4387545_?)dup

Gene: GLIS2 (GLIS family zinc finger 2; plus strand). Cytogenetic location: 16p13.3.
Variant type: Duplication.
Identifiers: ClinVar variation 462704 (VCV000462704.3).